The following is an entry in ClinVar:

NM_012062.5(DNM1L):c.515G>T (p.Arg172Leu)

Gene: DNM1L (dynamin 1 like; plus strand). Cytogenetic location: 12p11.21.
Variant type: single nucleotide variant.
Coding change: c.515G>T on transcript NM_012062.5 (MANE Select); coding-DNA position 515, G replaced by T.
Protein change: p.Arg172Leu; replaces arginine 172 with leucine.
Molecular consequence: missense variant. On other transcripts: intron variant (1).
Genome position (GRCh38, 1-based): chr12:32,713,267, G>T. VCF-style: chr12-32713267-G-T. GRCh37 (hg19) VCF-style: chr12-32866201-G-T.
Other names: c.515G>T, p.Arg172Leu (NM_001278463.2, NM_005690.5, NM_012063.4); c.554G>T, p.Arg185Leu (NM_001278464.2, NM_001278465.2, NM_001330380.2); c.131+5854G>T (NM_001278466.2); short protein forms R172L, R185L.
Identifiers: ClinVar variation 2876488 (VCV002876488.3), dbSNP rs764915133, ClinGen allele CA384367446.

ClinVar aggregate classification (germline): Uncertain significance (1 of 4 stars; one submission).

gnomAD v4.1: 1 of 1,613,810 alleles (0.000062%); highest among the groups gnomAD compares: Non-Finnish European, 0.000085%; no homozygotes.

Submission:

Labcorp Genetics (formerly Invitae), Labcorp
Classification: Uncertain significance. Last evaluated: 2023-10-03. Review status: criteria provided, single submitter. Criteria: Invitae Variant Classification Sherloc (09022015). Collection method: clinical testing. Allele origin: germline.
Comment: This sequence change replaces arginine, which is basic and polar, with leucine, which is neutral and non-polar, at codon 172 of the DNM1L protein (p.Arg172Leu). This variant is not present in population databases (gnomAD no frequency). This variant has not been reported in the literature in individuals affected with DNM1L-related conditions. An algorithm developed to predict the effect of missense changes on protein structure and function (PolyPhen-2) suggests that this variant is likely to be tolerated. In summary, the available evidence is currently insufficient to determine the role of this variant in disease. Therefore, it has been classified as a Variant of Uncertain Significance.